The following is an entry in ClinVar:

ClinVar aggregate classification (germline): Likely benign. Review status: criteria provided, multiple submitters, no conflicts (2 of 4 stars). 3 submissions from 3 submitters: Likely benign (3). Last evaluated 2026-03-01.

Allele frequency attached by ClinVar (database versions not stated): gnomAD exomes 0.00008; ExAC 0.00009; 1000 Genomes Project 30x 0.00016; 1000 Genomes Project 0.00020; ESP Exome Variant Server 0.00031; gnomAD 0.00052 and 0.00056; TOPMed 0.00054.
gnomAD v4.1: 181 of 1,613,834 alleles (0.011%); highest among the groups gnomAD compares: African/African-American, 0.18%; 1 homozygote.

Submissions (3):

CeGaT Center for Human Genetics Tuebingen
Classification: Likely benign. Last evaluated: 2026-03-01. Review status: criteria provided, single submitter. Criteria: CeGaT Center For Human Genetics Tuebingen Variant Classification Criteria Version 2. Collection method: clinical testing. Allele origin: germline. Affected: yes. Observed: 1 variant allele.
Comment: MYO15A: PM2:Supporting, BP4, BP7

Labcorp Genetics (formerly Invitae), Labcorp
Classification: Likely benign. Last evaluated: 2025-03-10. Review status: criteria provided, single submitter. Criteria: Invitae Variant Classification Sherloc (09022015). Collection method: clinical testing. Allele origin: germline.

GeneDx
Classification: Likely benign. Last evaluated: 2021-03-24. Review status: criteria provided, single submitter. Criteria: GeneDx Variant Classification Process June 2021. Collection method: clinical testing. Allele origin: germline. Affected: yes.

NM_016239.4(MYO15A):c.4710G>A (p.Arg1570=)

Gene: MYO15A (myosin XVA; plus strand). Cytogenetic location: 17p11.2.
Variant type: single nucleotide variant.
Coding change: c.4710G>A on transcript NM_016239.4 (MANE Select); coding-DNA position 4710, G replaced by A.
Protein change: p.Arg1570=; no amino-acid change (arginine 1570 retained).
Molecular consequence: synonymous variant.
Genome position (GRCh38, 1-based): chr17:18,136,617, G>A. VCF-style: chr17-18136617-G-A. GRCh37 (hg19) VCF-style: chr17-18039931-G-A.
Identifiers: ClinVar variation 755934 (VCV000755934.13), dbSNP rs112387527, ClinGen allele CA8424002.
Genomic context (GRCh38, chr17:18,136,617, plus strand): 5'-CTCCAGGGACGCCATCGCCAAGGTCTTGTATGCACTGCTGTTCAGCTGGCTCATCACCAG[G>A]GTCAACGCGCTGGTGTCCCCAAGGCAGGACACACTGTCCATCGCCATCCTGGACATCTAT-3'
Protein context (NP_057323.3, residues 1560-1580): YALLFSWLIT[Arg1570=]VNALVSPRQD